The following is an entry in ClinVar:

NM_001768.7(CD8A):c.217C>G (p.Leu73Val)

Gene: CD8A (CD8 subunit alpha; minus strand). Cytogenetic location: 2p11.2.
Variant type: single nucleotide variant.
Coding change: c.217C>G on transcript NM_001768.7 (MANE Select); coding-DNA position 217, C replaced by G.
Protein change: p.Leu73Val; replaces leucine 73 with valine.
Molecular consequence: missense variant. On other transcripts: non-coding transcript variant (3).
Genome position (GRCh38, 1-based): chr2:86,790,514, G>C on the plus strand (C>G on the coding strand, the complement: CD8A is on the minus strand). VCF-style: chr2-86790514-G-C. GRCh37 (hg19) VCF-style: chr2-87017637-G-C.
Other names: c.217C>G, p.Leu73Val (NM_001145873.1, NM_001382698.1, NM_171827.4); short protein forms L73V.
Identifiers: ClinVar variation 1485579 (VCV001485579.3), dbSNP rs778769116, ClinGen allele CA1751249.

ClinVar aggregate classification (germline): Uncertain significance (1 of 4 stars; one submission).

Conditions:
Susceptibility to respiratory infections associated with CD8alpha chain mutation (IMD116). Also called: Cd8 deficiency, familial; IMMUNODEFICIENCY 116. Identifiers: Orphanet 169085, MedGen C1837065, MONDO:0012161, OMIM 608957.

Allele frequency attached by ClinVar (database versions not stated): gnomAD 0.00001; ExAC 0.00002; gnomAD exomes 0.00002 and 0.00003; TOPMed 0.00004.
gnomAD v4.1: 38 of 1,613,958 alleles (0.0024%); highest among the groups gnomAD compares: Non-Finnish European, 0.0031%; no homozygotes.

Submission:

Labcorp Genetics (formerly Invitae), Labcorp
Classification: Uncertain significance for Susceptibility to respiratory infections associated with CD8alpha chain mutation. Last evaluated: 2021-11-12. Review status: criteria provided, single submitter. Criteria: Invitae Variant Classification Sherloc (09022015). Collection method: clinical testing. Allele origin: germline.
Comment: This sequence change replaces leucine, which is neutral and non-polar, with valine, which is neutral and non-polar, at codon 73 of the CD8A protein (p.Leu73Val). This variant is present in population databases (rs778769116, gnomAD 0.005%). This variant has not been reported in the literature in individuals affected with CD8A-related conditions. Algorithms developed to predict the effect of missense changes on protein structure and function output the following: SIFT: "Tolerated"; PolyPhen-2: "Benign"; Align-GVGD: "Class C0". The valine amino acid residue is found in multiple mammalian species, which suggests that this missense change does not adversely affect protein function. In summary, the available evidence is currently insufficient to determine the role of this variant in disease. Therefore, it has been classified as a Variant of Uncertain Significance.